The following is an entry in ClinVar:

ClinVar aggregate classification (germline): Conflicting classifications of pathogenicity. Review status: criteria provided, conflicting classifications (1 of 4 stars). 3 submissions from 3 submitters: Uncertain significance (2); Likely benign (1). Last evaluated 2023-10-28.

Conditions:
Cardiovascular phenotype. Identifiers: MedGen CN230736.
Brugada syndrome. Also called: Sudden Unexplained Death Syndrome; Sudden Unexplained Nocturnal Death Syndrome (SUNDS); Sudden unexplained nocturnal death syndrome; Sudden unexpected nocturnal death syndrome. Identifiers: Orphanet 130, MedGen C1142166, MONDO:0015263.

Allele frequency attached by ClinVar (database versions not stated): TOPMed 0.00003.
gnomAD v4.1: 7 of 1,614,124 alleles (0.00043%); highest among the groups gnomAD compares: Admixed American, 0.0067%; no homozygotes.

Submissions (3):

Labcorp Genetics (formerly Invitae), Labcorp
Classification: Uncertain significance for Brugada syndrome. Last evaluated: 2023-10-28. Review status: criteria provided, single submitter. Criteria: Invitae Variant Classification Sherloc (09022015). Collection method: clinical testing. Allele origin: germline.
Comment: This sequence change replaces glycine, which is neutral and non-polar, with serine, which is neutral and polar, at codon 688 of the SCN10A protein (p.Gly688Ser). This variant is present in population databases (rs779931477, gnomAD 0.01%). This variant has not been reported in the literature in individuals affected with SCN10A-related conditions. ClinVar contains an entry for this variant (Variation ID: 432874). Advanced modeling of protein sequence and biophysical properties (such as structural, functional, and spatial information, amino acid conservation, physicochemical variation, residue mobility, and thermodynamic stability) performed at Invitae indicates that this missense variant is not expected to disrupt SCN10A protein function with a negative predictive value of 80%. In summary, the available evidence is currently insufficient to determine the role of this variant in disease. Therefore, it has been classified as a Variant of Uncertain Significance.

Ambry Genetics
Classification: Likely benign for Cardiovascular phenotype. Last evaluated: 2023-05-09. Review status: criteria provided, single submitter. Criteria: Ambry Variant Classification Scheme 2023. Collection method: clinical testing. Allele origin: germline.

GeneDx
Classification: Uncertain significance. Last evaluated: 2017-06-19. Review status: criteria provided, single submitter. Criteria: GeneDx Variant Classification (06012015). Collection method: clinical testing. Allele origin: germline. Affected: yes.
Comment: A variant of uncertain significance has been identified in the SCN10A gene. The G688S variant has not been published as pathogenic or been reported as benign to our knowledge. This variant is observed in 5/11,540 alleles (0.04%) from individuals of Latino ancestry in the Exome Aggregation Consortium (ExAC) data set (Lek et al., 2016). The G688S variant is a non-conservative amino acid substitution, which is likely to impact secondary protein structure as these residues differ in polarity, charge, size and/or other properties. Nevertheless, this substitution occurs at a position that is not conserved. Furthermore, in silico analysis predicts this variant likely does not alter the protein structure/function.

NM_006514.4(SCN10A):c.2062G>A (p.Gly688Ser)

Gene: SCN10A (sodium voltage-gated channel alpha subunit 10; minus strand). Cytogenetic location: 3p22.2.
Variant type: single nucleotide variant.
Coding change: c.2062G>A on transcript NM_006514.4 (MANE Select); coding-DNA position 2062, G replaced by A.
Protein change: p.Gly688Ser; replaces glycine 688 with serine.
Molecular consequence: missense variant.
Genome position (GRCh38, 1-based): chr3:38,742,335, C>T on the plus strand (G>A on the coding strand, the complement: SCN10A is on the minus strand). VCF-style: chr3-38742335-C-T. GRCh37 (hg19) VCF-style: chr3-38783826-C-T.
Other names: c.2062G>A, p.Gly688Ser (NM_001293306.2); c.1768G>A, p.Gly590Ser (NM_001293307.2); short protein forms G688S, G590S.
Identifiers: ClinVar variation 432874 (VCV000432874.10), dbSNP rs779931477, ClinGen allele CA2320666.
Genomic context (GRCh38, chr3:38,742,335, plus strand): 5'-CAGCCAGAGCACTCACGATGTTGCCTATCTGGAGCATGGCTTCGAAGGTAGGGCTCATGC[C>T]ATGGTGCTCCATGGCCATGAAGATGGTGTTCACCACGATGCACAAGGTGATGGTGAGCTC-3'
Protein context (NP_006505.4, residues 678-698): NTIFMAMEHH[Gly688Ser]MSPTFEAMLQ